The following is an entry in ClinVar:

ClinVar aggregate classification (germline): Uncertain significance (1 of 4 stars; one submission).

Allele frequency attached by ClinVar (database versions not stated): TOPMed 0.00003; ExAC 0.00004; gnomAD 0.00004; ESP Exome Variant Server 0.00008.
gnomAD v4.1: 95 of 1,606,636 alleles (0.0059%); highest among the groups gnomAD compares: Middle Eastern, 0.033%; no homozygotes.

Submission:

Labcorp Genetics (formerly Invitae), Labcorp
Classification: Uncertain significance. Last evaluated: 2025-09-20. Review status: criteria provided, single submitter. Criteria: Invitae Variant Classification Sherloc (09022015). Collection method: clinical testing. Allele origin: germline.
Comment: This sequence change replaces valine, which is neutral and non-polar, with phenylalanine, which is neutral and non-polar, at codon 976 of the POP1 protein (p.Val976Phe). This variant is present in population databases (rs368501096, gnomAD 0.008%). This variant has not been reported in the literature in individuals affected with POP1-related conditions. ClinVar contains an entry for this variant (Variation ID: 1984186). An algorithm developed to predict the effect of missense changes on protein structure and function (PolyPhen-2) suggests that this variant is likely to be disruptive. In summary, the available evidence is currently insufficient to determine the role of this variant in disease. Therefore, it has been classified as a Variant of Uncertain Significance.

NM_001145860.2(POP1):c.2926G>T (p.Val976Phe)

Gene: POP1 (POP1 ribonuclease P/MRP subunit; plus strand). Cytogenetic location: 8q22.2.
Variant type: single nucleotide variant.
Coding change: c.2926G>T on transcript NM_001145860.2 (MANE Select); coding-DNA position 2926, G replaced by T.
Protein change: p.Val976Phe; replaces valine 976 with phenylalanine.
Molecular consequence: missense variant.
Genome position (GRCh38, 1-based): chr8:98,158,122, G>T. VCF-style: chr8-98158122-G-T. GRCh37 (hg19) VCF-style: chr8-99170350-G-T.
Other names: c.2926G>T, p.Val976Phe (NM_001145861.2, NM_015029.3); short protein forms V976F.
Identifiers: ClinVar variation 1984186 (VCV001984186.3), dbSNP rs368501096, ClinGen allele CA4820934.